The following is an entry in ClinVar:

ClinVar aggregate classification (germline): Uncertain significance (1 of 4 stars; one submission).

gnomAD v4.1: 20 of 1,613,992 alleles (0.0012%); highest among the groups gnomAD compares: Non-Finnish European, 0.0017%; no homozygotes.

Submission:

Labcorp Genetics (formerly Invitae), Labcorp
Classification: Uncertain significance. Last evaluated: 2024-09-11. Review status: criteria provided, single submitter. Criteria: Invitae Variant Classification Sherloc (09022015). Collection method: clinical testing. Allele origin: germline.
Comment: This sequence change replaces glycine, which is neutral and non-polar, with glutamic acid, which is acidic and polar, at codon 678 of the RFWD3 protein (p.Gly678Glu). This variant is present in population databases (rs761907365, gnomAD 0.004%). This variant has not been reported in the literature in individuals affected with RFWD3-related conditions. An algorithm developed to predict the effect of missense changes on protein structure and function (PolyPhen-2) suggests that this variant is likely to be tolerated. In summary, the available evidence is currently insufficient to determine the role of this variant in disease. Therefore, it has been classified as a Variant of Uncertain Significance.

NM_018124.4(RFWD3):c.2033G>A (p.Gly678Glu)

Gene: RFWD3 (ring finger and WD repeat domain 3; minus strand). Cytogenetic location: 16q23.1.
Variant type: single nucleotide variant.
Coding change: c.2033G>A on transcript NM_018124.4 (MANE Select); coding-DNA position 2033, G replaced by A.
Protein change: p.Gly678Glu; replaces glycine 678 with glutamic acid.
Molecular consequence: missense variant.
Genome position (GRCh38, 1-based): chr16:74,626,491, C>T on the plus strand (G>A on the coding strand, the complement: RFWD3 is on the minus strand). VCF-style: chr16-74626491-C-T. GRCh37 (hg19) VCF-style: chr16-74660389-C-T.
Other names: c.2033G>A, p.Gly678Glu (NM_001370534.1, NM_001370535.1); c.1856G>A, p.Gly619Glu (NM_001370536.1); c.1199G>A, p.Gly400Glu (NM_001370537.1, NM_001370539.1, NM_001370540.1 and 2 more transcripts); short protein forms G400E, G619E, G678E.
Identifiers: ClinVar variation 3702039 (VCV003702039.2).